The following is an entry in ClinVar:

NM_001377265.1(MAPT):c.220+2451C>G

Gene: MAPT (microtubule associated protein tau). Cytogenetic location: 17q21.31.
Variant type: single nucleotide variant.
Coding change: c.220+2451C>G on transcript NM_001377265.1 (MANE Select); 2451 bases into the intron after coding-DNA position 220, C replaced by G.
Molecular consequence: intron variant. On other transcripts: missense variant (4).
Genome position (GRCh38, 1-based): chr17:45,974,396, C>G. VCF-style: chr17-45974396-C-G. GRCh37 (hg19) VCF-style: chr17-44051762-C-G.
Other names: c.232C>G, p.Pro78Ala (NM_001123066.4, NM_001203252.2, NM_005910.6 and 1 more transcripts); c.134-3979C>G (NM_001377268.1, NM_016834.5, NM_016841.5); c.220+2451C>G (NM_001377266.1, NM_001123067.4, NM_001203251.2 and 1 more transcripts); c.232C>G (NM_001123066.3, NM_005910.5); short protein forms P78A.
Identifiers: ClinVar variation 1470111 (VCV001470111.9), dbSNP rs760729741, ClinGen allele CA8617584.

ClinVar aggregate classification (germline): Uncertain significance. Review status: criteria provided, multiple submitters, no conflicts (2 of 4 stars). 4 submissions from 4 submitters: Uncertain significance (4). Last evaluated 2026-08-06.

Conditions:
MAPT-related disorder. Also called: MAPT-Related Disorders; MAPT-related condition.
Frontotemporal dementia (FTD1). Also called: FRONTOTEMPORAL DEMENTIA WITH PARKINSONISM; FRONTOTEMPORAL LOBE DEMENTIA; MULTIPLE SYSTEM TAUOPATHY WITH PRESENILE DEMENTIA; WILHELMSEN-LYNCH DISEASE; Frontotemporal lobe dementia (FLDEM); FRONTOTEMPORAL LOBAR DEGENERATION WITH TAU INCLUSIONS. Identifiers: Orphanet 282, MedGen C0338451, MONDO:0017276, OMIM 600274, HP:0002145.
Pick disease. Also called: PICK DISEASE OF BRAIN; DEMENTIA WITH LOBAR ATROPHY AND NEURONAL CYTOPLASMIC INCLUSIONS; LOBAR ATROPHY OF BRAIN; Pick's disease; Pick Disease of the Brain. Identifiers: Orphanet 282, MedGen C0236642, MONDO:0008243, OMIM 172700.

Allele frequency attached by ClinVar (database versions not stated): gnomAD exomes below 0.00001; TOPMed 0.00002.
gnomAD v4.1: 2 of 1,594,346 alleles (0.00013%); highest among the groups gnomAD compares: Admixed American, 0.0017%; no homozygotes.

Submissions (4):

OLLIN Analises Genomicas, OLLIN
Classification: Uncertain significance for Pick disease. Last evaluated: 2026-08-06. Review status: criteria provided, single submitter. Criteria: ACMG Guidelines 2015 PMID 25741868. Collection method: clinical testing. Allele origin: germline. Inheritance: Autosomal dominant inheritance.
Comment: This variant, has been reported in ClinVar (accession VCV001470111.8) and in gnomAD with an allele frequency of 0.00013%. However, to our knowledge, it has not been reported in the scientific literature. According to the currently available evidence, this variant has been classified as uncertain significance (PM2_P, BP4_M).

PreventionGenetics, part of Exact Sciences
Classification: Uncertain significance for MAPT-related condition. Last evaluated: 2026-01-12. Review status: criteria provided, single submitter. Criteria: ACMG Guidelines, 2015. Collection method: clinical testing. Allele origin: germline.
Comment: The MAPT c.232C>G variant is predicted to result in the amino acid substitution p.Pro78Ala. To our knowledge, this variant has not been reported in the literature. This variant is reported in 0.0059% of alleles in individuals of Latino descent in gnomAD. At this time, the clinical significance of this variant is uncertain due to the absence of conclusive functional and genetic evidence.

GeneDx
Classification: Uncertain significance. Last evaluated: 2024-09-27. Review status: criteria provided, single submitter. Criteria: GeneDx Variant Classification Process June 2021. Collection method: clinical testing. Allele origin: germline. Affected: yes.
Comment: In silico analysis indicates that this missense variant does not alter protein structure/function; Has not been previously published as pathogenic or benign to our knowledge

Labcorp Genetics (formerly Invitae), Labcorp
Classification: Uncertain significance for Frontotemporal dementia. Last evaluated: 2021-10-31. Review status: criteria provided, single submitter. Criteria: Invitae Variant Classification Sherloc (09022015). Collection method: clinical testing. Allele origin: germline.
Comment: In summary, the available evidence is currently insufficient to determine the role of this variant in disease. Therefore, it has been classified as a Variant of Uncertain Significance. Algorithms developed to predict the effect of missense changes on protein structure and function are either unavailable or do not agree on the potential impact of this missense change (SIFT: "Tolerated"; PolyPhen-2: "Probably Damaging"; Align-GVGD: "Class C0"). This variant has not been reported in the literature in individuals affected with MAPT-related conditions. This variant is present in population databases (rs760729741, gnomAD 0.006%). This sequence change replaces proline, which is neutral and non-polar, with alanine, which is neutral and non-polar, at codon 78 of the MAPT protein (p.Pro78Ala).